The following is an entry in ClinVar:

NM_001042492.3(NF1):c.5887_5889del (p.Asn1963del)

Gene: NF1 (neurofibromin 1; plus strand). Cytogenetic location: 17q11.2.
Variant type: Deletion.
Coding change: c.5887_5889del on transcript NM_001042492.3 (MANE Select); coding-DNA positions 5887 to 5889, 3 bases deleted (AAT; older notation c.5887_5889delAAT).
Protein change: p.Asn1963del; deletes asparagine 1963.
Molecular consequence: inframe deletion. On other transcripts: inframe indel (1).
Genome position (GRCh38, 1-based): chr17:31,334,912-31,334,914, AAT deleted; deleting any 3 consecutive bases within chr17:31,334,910-31,334,914 gives the same sequence; the c. name uses the placement nearest the transcript's 3' end. VCF-style (leftmost placement, unchanged base first): chr17-31334909-CATA-C. GRCh37 (hg19) VCF-style: chr17-29661927-CATA-C.
Other names: c.5824_5826delAAT (NM_000267.3); c.5824_5826delAAT, p.Asn1942del (NM_000267.4); short protein forms N1963del, N1942del.
Identifiers: ClinVar variation 484096 (VCV000484096.8), dbSNP rs1555534403, ClinGen allele CA658658557.
Genomic context (GRCh38, chr17:31,334,909, plus strand): 5'-AAACACCTTTGTTTGGAATACATGACTCCATGGCTGTCAAATCTAGTTCGTTTTTGCAAG[CATA>C]ATGATGATGCCAAACGACAAAGAGTTACTGCTATTCTTGACAAGCTGATAACAATGACCA-3'

ClinVar aggregate classification (germline): Uncertain significance. Review status: criteria provided, multiple submitters, no conflicts (2 of 4 stars). 3 submissions from 3 submitters: Uncertain significance (3). Last evaluated 2024-04-17.

Conditions:
Cardiovascular phenotype. Identifiers: MedGen CN230736.
Hereditary cancer-predisposing syndrome. Also called: Hereditary neoplastic syndrome; Neoplastic Syndromes, Hereditary; Tumor predisposition; Hereditary Cancer Syndrome. Identifiers: Orphanet 140162, MedGen C0027672, MeSH D009386, MONDO:0015356.
Neurofibromatosis, type 1 (NF1). Also called: VON RECKLINGHAUSEN DISEASE; Peripheral type neurofibromatosis; NEUROFIBROMATOSIS, TYPE I, SOMATIC; Neurofibromatosis, type I. Identifiers: Orphanet 636, MedGen C0027831, MONDO:0018975, OMIM 162200. Disease mechanism: loss of function.

Submissions (3):

Labcorp Genetics (formerly Invitae), Labcorp
Classification: Uncertain significance for Neurofibromatosis, type 1. Last evaluated: 2024-04-17. Review status: criteria provided, single submitter. Criteria: Invitae Variant Classification Sherloc (09022015). Collection method: clinical testing. Allele origin: germline.
Comment: This variant, c.5824_5826del, results in the deletion of 1 amino acid(s) of the NF1 protein (p.Asn1942del), but otherwise preserves the integrity of the reading frame. This variant is not present in population databases (gnomAD no frequency). This variant has not been reported in the literature in individuals affected with NF1-related conditions. ClinVar contains an entry for this variant (Variation ID: 484096). Experimental studies and prediction algorithms are not available or were not evaluated, and the functional significance of this variant is currently unknown. In summary, the available evidence is currently insufficient to determine the role of this variant in disease. Therefore, it has been classified as a Variant of Uncertain Significance.

Ambry Genetics
Classification: Uncertain significance for Cardiovascular phenotype; Hereditary cancer-predisposing syndrome. Last evaluated: 2024-03-13. Review status: criteria provided, single submitter. Criteria: Ambry Variant Classification Scheme 2023. Collection method: clinical testing. Allele origin: germline.
Comment: The c.5824_5826delAAT variant (also known as p.N1942del) is located in coding exon 39 of the NF1 gene. This variant results from an in-frame AAT deletion at nucleotide positions 5824 to 5826. This results in the in-frame deletion of an asparagine at codon 1942. This amino acid position is well conserved in available vertebrate species. In addition, this alteration is predicted to be deleterious by in silico analysis (Choi Y et al. PLoS ONE. 2012; 7(10):e46688). Since supporting evidence is limited at this time, the clinical significance of this alteration remains unclear.

Sema4
Classification: Uncertain significance for Hereditary cancer-predisposing syndrome. Last evaluated: 2021-10-04. Review status: criteria provided, single submitter. Criteria: Sema4 Curation Guidelines. Collection method: curation. Allele origin: germline.
Comment: The NF1 c.5824_5826delAAT (p.N1942del) variant has not been reported in the literature to our knowledge. It was not observed in the large and broad cohorts of the Genome Aggregation Database. The variant has been reported in ClinVar (Variation ID: 484096). The evidence is insufficient to meet ACMG/AMP criteria for classifying the variant as benign or pathogenic. Thus, the clinical significance of this variant is currently uncertain.